The following is an entry in ClinVar:

NM_000038.6(APC):c.2725A>T (p.Thr909Ser)

Gene: APC (APC regulator of Wnt signaling pathway; plus strand). Cytogenetic location: 5q22.2.
Variant type: single nucleotide variant.
Coding change: c.2725A>T on transcript NM_000038.6 (MANE Select); coding-DNA position 2725, A replaced by T.
Protein change: p.Thr909Ser; replaces threonine 909 with serine.
Molecular consequence: missense variant. On other transcripts: non-coding transcript variant (2).
Genome position (GRCh38, 1-based): chr5:112,838,319, A>T. VCF-style: chr5-112838319-A-T. GRCh37 (hg19) VCF-style: chr5-112174016-A-T.
Other names: c.2725A>T, p.Thr909Ser (NM_001127510.3, NM_001354895.2, NM_001407450.1); c.2671A>T, p.Thr891Ser (NM_001127511.3); c.2779A>T, p.Thr927Ser (NM_001354896.2, NM_001407447.1, NM_001407448.1 and 1 more transcripts); c.2755A>T, p.Thr919Ser (NM_001354897.2); c.2650A>T, p.Thr884Ser (NM_001354898.2); c.2641A>T, p.Thr881Ser (NM_001354899.2); c.2602A>T, p.Thr868Ser (NM_001354900.2); c.2548A>T, p.Thr850Ser (NM_001354901.2, NM_001407453.1); and 11 more; short protein forms T525S, T626S, T749S, T780S, T783S, T808S, T818S, T826S.
Identifiers: ClinVar variation 3894139 (VCV003894139.1).
Genomic context (GRCh38, chr5:112,838,319, plus strand): 5'-AAAGTCATGGAAGAAGTGTCAGCCATTCATACCTCTCAGGAAGACAGAAGTTCTGGGTCT[A>T]CCACTGAATTACATTGTGTGACAGATGAGAGAAATGCACTTAGAAGAAGCTCTGCTGCCC-3'
Protein context (NP_000029.2, residues 899-919): TSQEDRSSGS[Thr909Ser]TELHCVTDER

ClinVar aggregate classification (germline): Uncertain significance (1 of 4 stars; one submission).

Conditions:
Hereditary cancer-predisposing syndrome. Also called: Neoplastic Syndromes, Hereditary; Tumor predisposition; Hereditary Cancer Syndrome; Hereditary neoplastic syndrome. Identifiers: Orphanet 140162, MedGen C0027672, MeSH D009386, MONDO:0015356.

Submission:

Color Diagnostics, LLC DBA Color Health
Classification: Uncertain significance for Hereditary cancer-predisposing syndrome. Last evaluated: 2024-10-01. Review status: criteria provided, single submitter. Criteria: ACMG Guidelines, 2015. Collection method: clinical testing. Allele origin: germline.
Comment: This missense variant replaces threonine with serine at codon 909 of the APC protein. Computational prediction suggests that this variant may not impact protein structure and function (internally defined REVEL score threshold <= 0.5, PMID: 27666373). To our knowledge, functional studies have not been reported for this variant. This variant has not been reported in individuals affected with APC-related disorders in the literature. This variant has not been identified in the general population by the Genome Aggregation Database (gnomAD). The available evidence is insufficient to determine the role of this variant in disease conclusively. Therefore, this variant is classified as a Variant of Uncertain Significance.